The following is an entry in ClinVar:

NM_005159.5(ACTC1):c.376T>A (p.Phe126Ile)

Genes: GJD2-DT (GJD2 divergent transcript; plus strand), ACTC1 (actin alpha cardiac muscle 1; minus strand). Cytogenetic location: 15q14.
Variant type: single nucleotide variant.
Coding change: c.376T>A on transcript NM_005159.5 (MANE Select); coding-DNA position 376, T replaced by A.
Protein change: p.Phe126Ile; replaces phenylalanine 126 with isoleucine.
Molecular consequence: missense variant.
Genome position (GRCh38, 1-based): chr15:34,793,323, A>T on the plus strand (T>A on the coding strand, the complement: ACTC1 is on the minus strand). VCF-style: chr15-34793323-A-T. GRCh37 (hg19) VCF-style: chr15-35085524-A-T.
Other names: c.376T>A, p.Phe126Ile (NM_001406482.1, NM_001406483.1); c.241T>A, p.Phe81Ile (NM_001406484.1); c.-13T>A (NM_001406485.1); short protein forms F81I, F126I.
Identifiers: ClinVar variation 2094462 (VCV002094462.4), dbSNP rs2504182687, ClinGen allele CA391631373.

ClinVar aggregate classification (germline): Uncertain significance (1 of 4 stars; one submission).

Conditions:
Dilated cardiomyopathy 1R (CMD1R). Identifiers: Orphanet 154, Orphanet 54260, MedGen C3150681, MONDO:0013261, OMIM 613424.
Hypertrophic cardiomyopathy 11. Also called: ACTC1-Related Familial Hypertrophic Cardiomyopathy. Identifiers: MedGen C2677506, MONDO:0012799, OMIM 612098.
Atrial septal defect 5 (ASD5). Identifiers: Orphanet 1478, MedGen C2748552, MONDO:0013011, OMIM 612794.

Submission:

Labcorp Genetics (formerly Invitae), Labcorp
Classification: Uncertain significance for Dilated cardiomyopathy 1R; Hypertrophic cardiomyopathy 11; Atrial septal defect 5. Last evaluated: 2022-02-07. Review status: criteria provided, single submitter. Criteria: Invitae Variant Classification Sherloc (09022015). Collection method: clinical testing. Allele origin: germline.
Comment: In summary, the available evidence is currently insufficient to determine the role of this variant in disease. Therefore, it has been classified as a Variant of Uncertain Significance. Algorithms developed to predict the effect of missense changes on protein structure and function are either unavailable or do not agree on the potential impact of this missense change (SIFT: "Deleterious"; PolyPhen-2: "Probably Damaging"; Align-GVGD: "Class C15"). This variant has not been reported in the literature in individuals affected with ACTC1-related conditions. This variant is not present in population databases (gnomAD no frequency). This sequence change replaces phenylalanine, which is neutral and non-polar, with isoleucine, which is neutral and non-polar, at codon 126 of the ACTC1 protein (p.Phe126Ile).